The following is an entry in ClinVar:

NM_001048174.2(MUTYH):c.126G>C (p.Arg42Ser)

Gene: MUTYH (mutY DNA glycosylase; minus strand). Cytogenetic location: 1p34.1.
Variant type: single nucleotide variant.
Coding change: c.126G>C on transcript NM_001048174.2 (MANE Select); coding-DNA position 126, G replaced by C.
Protein change: p.Arg42Ser; replaces arginine 42 with serine.
Molecular consequence: missense variant. On other transcripts: 5 prime UTR variant (1), non-coding transcript variant (5), intron variant (5).
Genome position (GRCh38, 1-based): chr1:45,333,551, C>G on the plus strand (G>C on the coding strand, the complement: MUTYH is on the minus strand). VCF-style: chr1-45333551-C-G. GRCh37 (hg19) VCF-style: chr1-45799223-C-G.
Other names: c.126G>C, p.Arg42Ser (NM_001048171.2, NM_001048173.2, NM_001293195.2 and 6 more transcripts); c.129G>C, p.Arg43Ser (NM_001048172.2, NM_001407071.1, NM_001407078.1 and 2 more transcripts); c.210G>C, p.Arg70Ser (NM_001128425.2); c.171G>C, p.Arg57Ser (NM_001293190.2); c.159G>C, p.Arg53Ser (NM_001293191.2, NM_001407077.1); c.-146G>C (NM_001350650.2); c.201G>C, p.Arg67Ser (NM_001407069.1, NM_012222.3); c.168G>C, p.Arg56Ser (NM_001407073.1, NM_001407083.1, NM_001407085.1); and 4 more; short protein forms R14S, R42S, R43S, R49S, R53S, R56S, R57S, R67S.
Identifiers: ClinVar variation 3893820 (VCV003893820.2).

ClinVar aggregate classification (germline): Uncertain significance. Review status: criteria provided, multiple submitters, no conflicts (2 of 4 stars). 2 submissions from 2 submitters: Uncertain significance (2). Last evaluated 2025-08-27.

Conditions:
Hereditary cancer-predisposing syndrome. Also called: Neoplastic Syndromes, Hereditary; Tumor predisposition; Hereditary Cancer Syndrome; Hereditary neoplastic syndrome. Identifiers: Orphanet 140162, MedGen C0027672, MeSH D009386, MONDO:0015356.

Submissions (2):

Ambry Genetics
Classification: Uncertain significance for Hereditary cancer-predisposing syndrome. Last evaluated: 2025-08-27. Review status: criteria provided, single submitter. Criteria: Ambry Variant Classification Scheme 2023. Collection method: clinical testing. Allele origin: germline.
Comment: The p.R70S variant (also known as c.210G>C), located in coding exon 3 of the MUTYH gene, results from a G to C substitution at nucleotide position 210. The arginine at codon 70 is replaced by serine, an amino acid with dissimilar properties. This amino acid position is conserved. In addition, this alteration is predicted to be tolerated by in silico analysis. Based on the available evidence, the clinical significance of this variant remains unclear.

Color Diagnostics, LLC DBA Color Health
Classification: Uncertain significance for Hereditary cancer-predisposing syndrome. Last evaluated: 2025-02-23. Review status: criteria provided, single submitter. Criteria: ACMG Guidelines, 2015. Collection method: clinical testing. Allele origin: germline.
Comment: This missense variant replaces arginine with serine at codon 70 of the MUTYH protein. Computational prediction suggests that this variant may not impact protein structure and function (internally defined REVEL score threshold <= 0.5, PMID: 27666373). To our knowledge, functional studies have not been reported for this variant. This variant has not been reported in individuals affected with MUTYH-related disorders in the literature. This variant has not been identified in the general population by the Genome Aggregation Database (gnomAD). The available evidence is insufficient to determine the role of this variant in disease conclusively. Therefore, this variant is classified as a Variant of Uncertain Significance.